The following is an entry in ClinVar:

NM_001382273.1(TNK2):c.1940C>T (p.Pro647Leu)

Gene: TNK2 (tyrosine kinase non receptor 2; minus strand). Cytogenetic location: 3q29.
Variant type: single nucleotide variant.
Coding change: c.1940C>T on transcript NM_001382273.1 (MANE Select); coding-DNA position 1940, C replaced by T.
Protein change: p.Pro647Leu; replaces proline 647 with leucine.
Molecular consequence: missense variant. On other transcripts: non-coding transcript variant (15).
Genome position (GRCh38, 1-based): chr3:195,868,358, G>A on the plus strand (C>T on the coding strand, the complement: TNK2 is on the minus strand). VCF-style: chr3-195868358-G-A. GRCh37 (hg19) VCF-style: chr3-195595229-G-A.
Other names: c.2012C>T, p.Pro671Leu (NM_001010938.2, NM_001382272.1); c.1991C>T, p.Pro664Leu (NM_001308046.2, NM_001382271.1); c.1940C>T, p.Pro647Leu (NM_001382274.1, NM_001387716.1, NM_001387717.1 and 1 more transcripts); c.2036C>T, p.Pro679Leu (NM_001382275.1, NM_001387707.1); c.1895C>T, p.Pro632Leu (NM_001386164.1, NM_001387709.1, NM_001387710.1 and 8 more transcripts); c.1967C>T, p.Pro656Leu (NM_001387708.1, NM_001387715.1); short protein forms P671L, P632L, P647L, P679L, P656L, P664L.
Identifiers: ClinVar variation 3697221 (VCV003697221.2).

ClinVar aggregate classification (germline): Uncertain significance (1 of 4 stars; one submission).

gnomAD v4.1: 25 of 1,590,086 alleles (0.0016%); highest among the groups gnomAD compares: South Asian, 0.0045%; no homozygotes.

Submission:

Labcorp Genetics (formerly Invitae), Labcorp
Classification: Uncertain significance. Last evaluated: 2024-02-08. Review status: criteria provided, single submitter. Criteria: Invitae Variant Classification Sherloc (09022015). Collection method: clinical testing. Allele origin: germline.
Comment: This sequence change replaces proline, which is neutral and non-polar, with leucine, which is neutral and non-polar, at codon 710 of the TNK2 protein (p.Pro710Leu). The frequency data for this variant in the population databases is considered unreliable, as metrics indicate poor data quality at this position in the gnomAD database. This variant has not been reported in the literature in individuals affected with TNK2-related conditions. An algorithm developed to predict the effect of missense changes on protein structure and function (PolyPhen-2) suggests that this variant is likely to be tolerated. In summary, the available evidence is currently insufficient to determine the role of this variant in disease. Therefore, it has been classified as a Variant of Uncertain Significance.